The following is an entry in ClinVar:

NM_000059.4(BRCA2):c.6185G>A (p.Ser2062Asn)

Gene: BRCA2 (BRCA2 DNA repair associated; plus strand). Cytogenetic location: 13q13.1.
Variant type: single nucleotide variant.
Coding change: c.6185G>A on transcript NM_000059.4 (MANE Select); coding-DNA position 6185, G replaced by A.
Protein change: p.Ser2062Asn; replaces serine 2062 with asparagine.
Molecular consequence: missense variant. On other transcripts: non-coding transcript variant (1), intron variant (2).
Genome position (GRCh38, 1-based): chr13:32,340,540, G>A. VCF-style: chr13-32340540-G-A. GRCh37 (hg19) VCF-style: chr13-32914677-G-A.
Other names: c.6185G>A, p.Ser2062Asn (NM_001406719.1, NM_001406720.1); c.1910-4018G>A (NM_001406721.1); c.425-4018G>A (NM_001406722.1); short protein forms S2062N.
Identifiers: ClinVar variation 2903370 (VCV002903370.3), dbSNP rs754353971, ClinGen allele CA6940932.
Genomic context (GRCh38, chr13:32,340,540, plus strand): 5'-AAAAAGGCTTTTCATATAATGTGGTAAATTCATCTGCTTTCTCTGGATTTAGTACAGCAA[G>A]TGGAAAGCAAGTTTCCATTTTAGAAAGTTCCTTACACAAAGTTAAGGGAGTGTTAGAGGA-3'
Protein context (NP_000050.3, residues 2052-2072): SSAFSGFSTA[Ser2062Asn]GKQVSILESS

ClinVar aggregate classification (germline): Uncertain significance (1 of 4 stars; one submission).

Conditions:
Hereditary breast ovarian cancer syndrome. Also called: Hereditary breast and ovarian cancer syndrome; BRCA1- and BRCA2-Associated Hereditary Breast and Ovarian Cancer; Breast and ovarian cancer; Hereditary breast and ovarian cancer; Hereditary breast and ovarian cancer syndrome (HBOC); Hereditary breast and/or ovarian cancer syndrome. Identifiers: Orphanet 145, MedGen C0677776, MeSH D061325, MONDO:0003582. Disease mechanism: loss of function.

Allele frequency attached by ClinVar (database versions not stated): gnomAD exomes below 0.00001; ExAC 0.00001.
gnomAD v4.1: 1 of 1,613,000 alleles (0.000062%); highest among the groups gnomAD compares: Non-Finnish European, 0.000085%; no homozygotes.

Submission:

Labcorp Genetics (formerly Invitae), Labcorp
Classification: Uncertain significance for Hereditary breast ovarian cancer syndrome. Last evaluated: 2023-05-08. Review status: criteria provided, single submitter. Criteria: Invitae Variant Classification Sherloc (09022015). Collection method: clinical testing. Allele origin: germline.
Comment: In summary, the available evidence is currently insufficient to determine the role of this variant in disease. Therefore, it has been classified as a Variant of Uncertain Significance. Advanced modeling of protein sequence and biophysical properties (such as structural, functional, and spatial information, amino acid conservation, physicochemical variation, residue mobility, and thermodynamic stability) performed at Invitae indicates that this missense variant is not expected to disrupt BRCA2 protein function. This variant has not been reported in the literature in individuals affected with BRCA2-related conditions. This variant is present in population databases (rs754353971, gnomAD 0.0009%). This sequence change replaces serine, which is neutral and polar, with asparagine, which is neutral and polar, at codon 2062 of the BRCA2 protein (p.Ser2062Asn).